The following is an entry in ClinVar:

ClinVar aggregate classification (germline): Uncertain significance (1 of 4 stars; one submission).

Conditions:
Hereditary cancer-predisposing syndrome. Also called: Hereditary neoplastic syndrome; Neoplastic Syndromes, Hereditary; Tumor predisposition; Hereditary Cancer Syndrome. Identifiers: Orphanet 140162, MedGen C0027672, MeSH D009386, MONDO:0015356.

Submission:

Ambry Genetics
Classification: Uncertain significance for Hereditary cancer-predisposing syndrome. Last evaluated: 2025-01-27. Review status: criteria provided, single submitter. Criteria: Ambry Variant Classification Scheme 2023. Collection method: clinical testing. Allele origin: germline.
Comment: The p.T503K variant (also known as c.1508C>A), located in coding exon 13 of the FANCC gene, results from a C to A substitution at nucleotide position 1508. The threonine at codon 503 is replaced by lysine, an amino acid with similar properties. This amino acid position is conserved. In addition, this alteration is predicted to be tolerated by in silico analysis. Based on the available evidence, the clinical significance of this variant remains unclear.

NM_000136.3(FANCC):c.1508C>A (p.Thr503Lys)

Genes: AOPEP (aminopeptidase O (putative); plus strand), FANCC (FA complementation group C; minus strand). Cytogenetic location: 9q22.32.
Variant type: single nucleotide variant.
Coding change: c.1508C>A on transcript NM_000136.3 (MANE Select); coding-DNA position 1508, C replaced by A.
Protein change: p.Thr503Lys; replaces threonine 503 with lysine.
Molecular consequence: missense variant.
Genome position (GRCh38, 1-based): chr9:95,107,091, G>T on the plus strand (C>A on the coding strand, the complement: FANCC is on the minus strand). VCF-style: chr9-95107091-G-T. GRCh37 (hg19) VCF-style: chr9-97869373-G-T.
Other names: c.1508C>A, p.Thr503Lys (NM_001243743.2); short protein forms T503K.
Identifiers: ClinVar variation 3848337 (VCV003848337.1).
Genomic context (GRCh38, chr9:95,107,091, plus strand): 5'-TGAGTACTAGGATGCTGGACCACAGGGAGACTTACCAGGGTGATGACATCCCAGGCGATC[G>T]TGTGGCCTCCAGGAGCCCAGAGCAGGAAGTTGAGGAGAAGGTGCCTGATCAGCTGTTGTG-3'
Protein context (NP_000127.2, residues 493-513): NFLLWAPGGH[Thr503Lys]IAWDVITLMA